The following is an entry in ClinVar:

NM_006231.4(POLE):c.236G>C (p.Gly79Ala)

Gene: POLE (DNA polymerase epsilon, catalytic subunit; minus strand). Cytogenetic location: 12q24.33.
Variant type: single nucleotide variant.
Coding change: c.236G>C on transcript NM_006231.4 (MANE Select); coding-DNA position 236, G replaced by C.
Protein change: p.Gly79Ala; replaces glycine 79 with alanine.
Molecular consequence: missense variant.
Genome position (GRCh38, 1-based): chr12:132,680,656, C>G on the plus strand (G>C on the coding strand, the complement: POLE is on the minus strand). VCF-style: chr12-132680656-C-G. GRCh37 (hg19) VCF-style: chr12-133257242-C-G.
Other names: short protein forms G79A.
Identifiers: ClinVar variation 3654848 (VCV003654848.2).

ClinVar aggregate classification (germline): Uncertain significance (1 of 4 stars; one submission).

Submission:

Labcorp Genetics (formerly Invitae), Labcorp
Classification: Uncertain significance. Last evaluated: 2024-05-28. Review status: criteria provided, single submitter. Criteria: Invitae Variant Classification Sherloc (09022015). Collection method: clinical testing. Allele origin: germline.
Comment: This sequence change replaces glycine, which is neutral and non-polar, with alanine, which is neutral and non-polar, at codon 79 of the POLE protein (p.Gly79Ala). This variant is not present in population databases (gnomAD no frequency). This variant has not been reported in the literature in individuals affected with POLE-related conditions. Advanced modeling of protein sequence and biophysical properties (such as structural, functional, and spatial information, amino acid conservation, physicochemical variation, residue mobility, and thermodynamic stability) performed at Invitae indicates that this missense variant is not expected to disrupt POLE protein function with a negative predictive value of 80%. In summary, the available evidence is currently insufficient to determine the role of this variant in disease. Therefore, it has been classified as a Variant of Uncertain Significance.